The following is an entry in ClinVar:

ClinVar aggregate classification (germline): Likely benign (1 of 4 stars; one submission).

Conditions:
Familial adenomatous polyposis 1 (FAP1). Also called: POLYPOSIS, ADENOMATOUS INTESTINAL; FAMILIAL ADENOMATOUS POLYPOSIS 1, ATTENUATED. Identifiers: MedGen C2713442, MONDO:0021056, OMIM 175100. Disease mechanism: loss of function.

Submission:

Myriad Genetics, Inc.
Classification: Likely benign for Familial adenomatous polyposis 1. Last evaluated: 2024-02-22. Review status: criteria provided, single submitter. Criteria: Myriad Autosomal Dominant, Autosomal Recessive and X-Linked Classification Criteria (2023). Collection method: clinical testing. Allele origin: unknown.
Comment: This variant is considered likely benign. This variant is intronic and is not expected to impact mRNA splicing.

NM_000038.6(APC):c.221-8T>C

Gene: APC (APC regulator of Wnt signaling pathway; plus strand). Cytogenetic location: 5q22.2.
Variant type: single nucleotide variant.
Coding change: c.221-8T>C on transcript NM_000038.6 (MANE Select); 8 bases into the intron before coding-DNA position 221, T replaced by C.
Molecular consequence: intron variant.
Genome position (GRCh38, 1-based): chr5:112,767,181, T>C. VCF-style: chr5-112767181-T-C. GRCh37 (hg19) VCF-style: chr5-112102878-T-C.
Other names: c.-815-8T>C (NM_001407470.1, NM_001407472.1, NM_001354906.2 and 1 more transcripts); c.221-8T>C (NM_001407447.1, NM_001354895.2, NM_001407456.1 and 16 more transcripts); c.251-8T>C (NM_001407446.1, NM_001354897.2, NM_001354902.2 and 1 more transcripts); c.44-8T>C (NM_001407453.1, NM_001354900.2, NM_001354901.2 and 1 more transcripts); c.146-8T>C (NM_001407451.1, NM_001354898.2, NM_001354904.2).
Identifiers: ClinVar variation 3148521 (VCV003148521.1), dbSNP rs2532289094, ClinGen allele CA2825001324.
Genomic context (GRCh38, chr5:112,767,181, plus strand): 5'-TAACATTAAGAATATTTTAGACTGCTTAAAGCAATTGTTGTATAAAAACTTGTTTCTATT[T>C]TATTTAGAGCTTAACTTAGATAGCAGTAATTTCCCTGGAGTAAAACTGCGGTCAAAAATG-3'